The following is an entry in ClinVar:

NM_006466.4(POLR3F):c.344A>G (p.Lys115Arg)

Gene: POLR3F (RNA polymerase III subunit F; plus strand). Cytogenetic location: 20p11.23.
Variant type: single nucleotide variant.
Coding change: c.344A>G on transcript NM_006466.4 (MANE Select); coding-DNA position 344, A replaced by G.
Protein change: p.Lys115Arg; replaces lysine 115 with arginine.
Molecular consequence: missense variant. On other transcripts: non-coding transcript variant (1).
Genome position (GRCh38, 1-based): chr20:18,475,102, A>G. VCF-style: chr20-18475102-A-G. GRCh37 (hg19) VCF-style: chr20-18455746-A-G.
Other names: c.221A>G, p.Lys74Arg (NM_001282526.2); c.344A>G, p.Lys115Arg (NM_001410821.1); short protein forms K74R, K115R.
Identifiers: ClinVar variation 2127949 (VCV002127949.4), dbSNP rs1281050376, ClinGen allele CA408351997.
Genomic context (GRCh38, chr20:18,475,102, plus strand): 5'-GAGTTCAACTTATTTTACTTTACTTTCTTATAGGAATATGGAGCAGAGATATCCGCTATA[A>G]AAGTAATTTGCCATTAACAGAAATCAACAAAATTCTGAAGAATCTGGAAAGTAAAAAGCT-3'
Protein context (NP_006457.2, residues 105-125): KGIWSRDIRY[Lys115Arg]SNLPLTEINK

ClinVar aggregate classification (germline): Uncertain significance (1 of 4 stars; one submission).

Allele frequency attached by ClinVar (database versions not stated): gnomAD exomes below 0.00001.
gnomAD v4.1: 1 of 1,490,448 alleles (0.000067%); highest among the groups gnomAD compares: South Asian, 0.0011%; no homozygotes.

Submission:

Labcorp Genetics (formerly Invitae), Labcorp
Classification: Uncertain significance. Last evaluated: 2022-09-13. Review status: criteria provided, single submitter. Criteria: Invitae Variant Classification Sherloc (09022015). Collection method: clinical testing. Allele origin: germline.
Comment: In summary, the available evidence is currently insufficient to determine the role of this variant in disease. Therefore, it has been classified as a Variant of Uncertain Significance. Algorithms developed to predict the effect of missense changes on protein structure and function are either unavailable or do not agree on the potential impact of this missense change (SIFT: "Tolerated"; PolyPhen-2: "Not Available"; Align-GVGD: "Class C0"). This sequence change replaces lysine, which is basic and polar, with arginine, which is basic and polar, at codon 74 of the POLR3F protein (p.Lys74Arg). The frequency data for this variant in the population databases is considered unreliable, as metrics indicate poor data quality at this position in the gnomAD database. This variant has not been reported in the literature in individuals affected with POLR3F-related conditions.